The following is an entry in ClinVar:

NM_000286.3(PEX12):c.9G>C (p.Glu3Asp)

Gene: PEX12 (peroxisomal biogenesis factor 12; minus strand). Cytogenetic location: 17q12.
Variant type: single nucleotide variant.
Coding change: c.9G>C on transcript NM_000286.3 (MANE Select); coding-DNA position 9, G replaced by C.
Protein change: p.Glu3Asp; replaces glutamic acid 3 with aspartic acid.
Molecular consequence: missense variant.
Genome position (GRCh38, 1-based): chr17:35,578,013, C>G on the plus strand (G>C on the coding strand, the complement: PEX12 is on the minus strand). VCF-style: chr17-35578013-C-G. GRCh37 (hg19) VCF-style: chr17-33905032-C-G.
Other names: short protein forms E3D.
Identifiers: ClinVar variation 859096 (VCV000859096.7), dbSNP rs2072797963, ClinGen allele CA399139062.

ClinVar aggregate classification (germline): Uncertain significance (1 of 4 stars; one submission).

Conditions:
Peroxisome biogenesis disorder 3A (Zellweger). Also called: PEROXISOMAL BIOGENESIS DISORDER 3A (ZELLWEGER); Peroxisome biogenesis disorder 3A. Identifiers: Orphanet 912, MedGen C3553929, MONDO:0013927, OMIM 614859.

Submission:

Labcorp Genetics (formerly Invitae), Labcorp
Classification: Uncertain significance for Peroxisome biogenesis disorder 3A (Zellweger). Last evaluated: 2022-06-03. Review status: criteria provided, single submitter. Criteria: Invitae Variant Classification Sherloc (09022015). Collection method: clinical testing. Allele origin: germline.
Comment: This sequence change replaces glutamic acid, which is acidic and polar, with aspartic acid, which is acidic and polar, at codon 3 of the PEX12 protein (p.Glu3Asp). This variant is not present in population databases (gnomAD no frequency). This variant has not been reported in the literature in individuals affected with PEX12-related conditions. ClinVar contains an entry for this variant (Variation ID: 859096). Algorithms developed to predict the effect of missense changes on protein structure and function are either unavailable or do not agree on the potential impact of this missense change (SIFT: "Tolerated"; PolyPhen-2: "Probably Damaging"; Align-GVGD: "Class C0"). In summary, the available evidence is currently insufficient to determine the role of this variant in disease. Therefore, it has been classified as a Variant of Uncertain Significance.